The following is an entry in ClinVar:

NM_001085487.3(MYSM1):c.1391-4A>G

Gene: MYSM1 (Myb like, SWIRM and MPN domains 1; minus strand). Cytogenetic location: 1p32.1.
Variant type: single nucleotide variant.
Coding change: c.1391-4A>G on transcript NM_001085487.3 (MANE Select); 4 bases into the intron before coding-DNA position 1391, A replaced by G.
Molecular consequence: intron variant.
Genome position (GRCh38, 1-based): chr1:58,675,584, T>C on the plus strand (A>G on the coding strand, the complement: MYSM1 is on the minus strand). VCF-style: chr1-58675584-T-C. GRCh37 (hg19) VCF-style: chr1-59141256-T-C.
Identifiers: ClinVar variation 1896565 (VCV001896565.3), dbSNP rs776716276, ClinGen allele CA877820.

ClinVar aggregate classification (germline): Uncertain significance (1 of 4 stars; one submission).

Allele frequency attached by ClinVar (database versions not stated): gnomAD 0.00001; TOPMed 0.00001; gnomAD exomes 0.00002; ExAC 0.00003.
gnomAD v4.1: 26 of 1,609,590 alleles (0.0016%); highest among the groups gnomAD compares: East Asian, 0.0067%; no homozygotes.

Submission:

Labcorp Genetics (formerly Invitae), Labcorp
Classification: Uncertain significance. Last evaluated: 2025-08-24. Review status: criteria provided, single submitter. Criteria: Invitae Variant Classification Sherloc (09022015). Collection method: clinical testing. Allele origin: germline.
Comment: This sequence change falls in intron 9 of the MYSM1 gene. It does not directly change the encoded amino acid sequence of the MYSM1 protein. This variant is present in population databases (rs776716276, gnomAD 0.02%). This variant has not been reported in the literature in individuals affected with MYSM1-related conditions. ClinVar contains an entry for this variant (Variation ID: 1896565). Algorithms developed to predict the effect of sequence changes on RNA splicing suggest that this variant may disrupt the consensus splice site. In summary, the available evidence is currently insufficient to determine the role of this variant in disease. Therefore, it has been classified as a Variant of Uncertain Significance.